The following is an entry in ClinVar:

ClinVar aggregate classification (germline): Likely benign. Review status: criteria provided, multiple submitters, no conflicts (2 of 4 stars). 2 submissions from 2 submitters: Likely benign (2). Last evaluated 2023-11-06.

Allele frequency attached by ClinVar (database versions not stated): ExAC 0.00006; gnomAD exomes 0.00006 and 0.00011; gnomAD 0.00014 and 0.00015; ESP Exome Variant Server 0.00015; TOPMed 0.00015; 1000 Genomes Project 30x 0.00016; 1000 Genomes Project 0.00020.
gnomAD v4.1: 179 of 1,614,148 alleles (0.011%); highest among the groups gnomAD compares: African/African-American, 0.033%; no homozygotes.

Submissions (2):

Labcorp Genetics (formerly Invitae), Labcorp
Classification: Likely benign. Last evaluated: 2023-11-06. Review status: criteria provided, single submitter. Criteria: Invitae Variant Classification Sherloc (09022015). Collection method: clinical testing. Allele origin: germline.

GeneDx
Classification: Likely benign. Last evaluated: 2017-08-09. Review status: criteria provided, single submitter. Criteria: GeneDx Variant Classification (06012015). Collection method: clinical testing. Allele origin: germline. Affected: yes.
Comment: This variant is considered likely benign or benign based on one or more of the following criteria: it is a conservative change, it occurs at a poorly conserved position in the protein, it is predicted to be benign by multiple in silico algorithms, and/or has population frequency not consistent with disease.

NM_004544.4(NDUFA10):c.312C>T (p.Leu104=)

Gene: NDUFA10 (NADH:ubiquinone oxidoreductase subunit A10; minus strand). Cytogenetic location: 2q37.3.
Variant type: single nucleotide variant.
Coding change: c.312C>T on transcript NM_004544.4 (MANE Select); coding-DNA position 312, C replaced by T.
Protein change: p.Leu104=; no amino-acid change (leucine 104 retained).
Molecular consequence: synonymous variant. On other transcripts: non-coding transcript variant (4).
Genome position (GRCh38, 1-based): chr2:240,021,345, G>A on the plus strand (C>T on the coding strand, the complement: NDUFA10 is on the minus strand). VCF-style: chr2-240021345-G-A. GRCh37 (hg19) VCF-style: chr2-240960762-G-A.
Other names: c.312C>T, p.Leu104= (NM_001322019.2, NM_001322020.2).
Identifiers: ClinVar variation 511015 (VCV000511015.9), dbSNP rs145407882, ClinGen allele CA2201092.